The following is an entry in ClinVar:

ClinVar aggregate classification (germline): Pathogenic/Likely pathogenic. Review status: criteria provided, multiple submitters, no conflicts (2 of 4 stars). 3 submissions from 3 submitters: Pathogenic (1); Likely pathogenic (1). 1 of the submissions does not count toward it. Last evaluated 2023-08-14.

Conditions:
Anemia, nonspherocytic hemolytic, due to G6PD deficiency (CNSHA1). Also called: Class I glucose-6-phosphate dehydrogenase deficiency; Favism, susceptibility to; ANEMIA, CONGENITAL, NONSPHEROCYTIC HEMOLYTIC, 1; Hemolytic anemia due to G6PD deficiency. Identifiers: Orphanet 466026, MedGen C2720289, MONDO:0010480, OMIM 300908.
G6PD RIVERSIDE.

Submissions (3):

Revvity Omics, Revvity
Classification: Likely pathogenic for Anemia, nonspherocytic hemolytic, due to G6PD deficiency. Last evaluated: 2023-08-14. Review status: criteria provided, single submitter. Criteria: ACMG Guidelines, 2015. Collection method: clinical testing. Allele origin: germline.

Dunham Lab, University of Washington
Classification: Pathogenic for Anemia, nonspherocytic hemolytic, due to G6PD deficiency. Last evaluated: 2022-08-12. Review status: criteria provided, single submitter. Criteria: Bayesian ACMG Guidelines, 2018. Collection method: curation. Allele origin: unknown. Affected: yes.
Comment: Decreased activity in red blood cells (1%) (PS3). Affects same amino acid as pathogenic 410G>D (ClinVar ID 10398) (PM5). Within dimer interface (PM1). Predicted by PolyPhen and SIFT to be probably damaging and deleterious (PP3). Not found in gnomAD (PM2). Post_P 0.997 (odds of pathogenicity 3158, Prior_P 0.1).

OMIM
Classification: other for G6PD RIVERSIDE. Last evaluated: 2013-04-18. Review status: no assertion criteria provided. Collection method: literature only. Allele origin: germline. Not counted in ClinVar's aggregate classification.

Literature cited by the submitters: PubMed 2602358 (cited by Dunham Lab, University of Washington and OMIM); PubMed 31294066 (cited by Dunham Lab, University of Washington).

NM_000402.4(G6PD):c.1318G>T (p.Gly440Cys)

Gene: G6PD (glucose-6-phosphate dehydrogenase; minus strand). Cytogenetic location: Xq28.
Variant type: single nucleotide variant.
Coding change: c.1318G>T on transcript NM_000402.4; coding-DNA position 1318, G replaced by T.
Protein change: p.Gly440Cys; replaces glycine 440 with cysteine.
Molecular consequence: missense variant.
Genome position (GRCh38, 1-based): chrX:154,532,626, C>A on the plus strand (G>T on the coding strand, the complement: G6PD is on the minus strand). VCF-style: chrX-154532626-C-A. GRCh37 (hg19) VCF-style: chrX-153760841-C-A.
Other names: G6PD, GLY410CYS; G6PD Riverside; c.1228G>T, p.Gly410Cys (NM_001042351.3, NM_001360016.2); short protein forms G410C, G440C.
Identifiers: ClinVar variation 10378 (VCV000010378.5), dbSNP rs137852323, ClinGen allele CA120974.
Genomic context (GRCh38, chrX:154,532,626, plus strand): 5'-CCTTGTATCTGTTGCCGTAGGTCAGGTCCAGCTCCGACTCCTCGGGGTTGAAGAACATGC[C>A]CGGCTTCTTGGTCATCATCTTGGTGTACACGGCCTCGTTGGGCTGCACGCGGATCACCAG-3'